The following is an entry in ClinVar:

ClinVar aggregate classification (germline): Uncertain significance (1 of 4 stars; one submission).

Allele frequency attached by ClinVar (database versions not stated): gnomAD exomes below 0.00001 and 0.00001; ExAC 0.00001; gnomAD 0.00004; TOPMed 0.00005.
gnomAD v4.1: 15 of 1,613,924 alleles (0.00093%); highest among the groups gnomAD compares: African/African-American, 0.011%; no homozygotes.

Submission:

Labcorp Genetics (formerly Invitae), Labcorp
Classification: Uncertain significance. Last evaluated: 2022-07-12. Review status: criteria provided, single submitter. Criteria: Invitae Variant Classification Sherloc (09022015). Collection method: clinical testing. Allele origin: germline.
Comment: This sequence change replaces arginine, which is basic and polar, with glutamine, which is neutral and polar, at codon 595 of the CEP250 protein (p.Arg595Gln). This variant is present in population databases (rs765356303, gnomAD 0.01%). This variant has not been reported in the literature in individuals affected with CEP250-related conditions. ClinVar contains an entry for this variant (Variation ID: 1414826). Algorithms developed to predict the effect of missense changes on protein structure and function output the following: SIFT: "Not Available"; PolyPhen-2: "Benign"; Align-GVGD: "Not Available". The glutamine amino acid residue is found in multiple mammalian species, which suggests that this missense change does not adversely affect protein function. In summary, the available evidence is currently insufficient to determine the role of this variant in disease. Therefore, it has been classified as a Variant of Uncertain Significance.

NM_007186.6(CEP250):c.1784G>A (p.Arg595Gln)

Genes: CEP250 (centrosomal protein 250; plus strand), CEP250-AS1 (CEP250 antisense RNA 1; minus strand). Cytogenetic location: 20q11.22.
Variant type: single nucleotide variant.
Coding change: c.1784G>A on transcript NM_007186.6 (MANE Select); coding-DNA position 1784, G replaced by A.
Protein change: p.Arg595Gln; replaces arginine 595 with glutamine.
Molecular consequence: missense variant. On other transcripts: 5 prime UTR variant (1).
Genome position (GRCh38, 1-based): chr20:35,476,516, G>A. VCF-style: chr20-35476516-G-A. GRCh37 (hg19) VCF-style: chr20-34064341-G-A.
Other names: c.-116G>A (NM_001318219.1); short protein forms R595Q.
Identifiers: ClinVar variation 1414826 (VCV001414826.5), dbSNP rs765356303, ClinGen allele CA9833031.